The following is an entry in ClinVar:

ClinVar aggregate classification (germline): Uncertain significance (1 of 4 stars; one submission).

Allele frequency attached by ClinVar (database versions not stated): gnomAD exomes below 0.00001; ExAC 0.00001; gnomAD 0.00001; TOPMed 0.00001.
gnomAD v4.1: 8 of 1,546,658 alleles (0.00052%); highest among the groups gnomAD compares: Admixed American, 0.0017%; no homozygotes.

Submission:

Labcorp Genetics (formerly Invitae), Labcorp
Classification: Uncertain significance. Last evaluated: 2022-11-12. Review status: criteria provided, single submitter. Criteria: Invitae Variant Classification Sherloc (09022015). Collection method: clinical testing. Allele origin: germline.
Comment: This sequence change affects codon 36 of the NALCN mRNA. It is a 'silent' change, meaning that it does not change the encoded amino acid sequence of the NALCN protein. It affects a nucleotide within the consensus splice site. This variant is present in population databases (rs747543062, gnomAD 0.0009%). This variant has not been reported in the literature in individuals affected with NALCN-related conditions. Algorithms developed to predict the effect of sequence changes on RNA splicing suggest that this variant is not likely to affect RNA splicing. In summary, the available evidence is currently insufficient to determine the role of this variant in disease. Therefore, it has been classified as a Variant of Uncertain Significance.

NM_052867.4(NALCN):c.108A>G (p.Pro36=)

Gene: NALCN (sodium leak channel, non-selective; minus strand). Cytogenetic location: 13q33.1.
Variant type: single nucleotide variant.
Coding change: c.108A>G on transcript NM_052867.4 (MANE Select); coding-DNA position 108, A replaced by G.
Protein change: p.Pro36=; no amino-acid change (proline 36 retained).
Molecular consequence: synonymous variant.
Genome position (GRCh38, 1-based): chr13:101,399,019, T>C on the plus strand (A>G on the coding strand, the complement: NALCN is on the minus strand). VCF-style: chr13-101399019-T-C. GRCh37 (hg19) VCF-style: chr13-102051370-T-C.
Other names: c.108A>G, p.Pro36= (NM_001350748.2, NM_001350749.2, NM_001350750.2 and 1 more transcripts).
Identifiers: ClinVar variation 2991456 (VCV002991456.3), dbSNP rs747543062, ClinGen allele CA7036563.